The following is an entry in ClinVar:

NM_053025.4(MYLK):c.226G>A (p.Gly76Arg)

Gene: MYLK (myosin light chain kinase; minus strand). Cytogenetic location: 3q21.1.
Variant type: single nucleotide variant.
Coding change: c.226G>A on transcript NM_053025.4 (MANE Select); coding-DNA position 226, G replaced by A.
Protein change: p.Gly76Arg; replaces glycine 76 with arginine.
Molecular consequence: missense variant. On other transcripts: intron variant (1).
Genome position (GRCh38, 1-based): chr3:123,752,478, C>T on the plus strand (G>A on the coding strand, the complement: MYLK is on the minus strand). VCF-style: chr3-123752478-C-T. GRCh37 (hg19) VCF-style: chr3-123471325-C-T.
Other names: c.226G>A, p.Gly76Arg (NM_053026.4, NM_053027.4, NM_053028.4); c.-155-12477G>A (NM_001321309.2); short protein forms G76R.
Identifiers: ClinVar variation 439944 (VCV000439944.27), dbSNP rs368413008, ClinGen allele CA068665.

ClinVar aggregate classification (germline): Conflicting classifications of pathogenicity. Review status: criteria provided, conflicting classifications (1 of 4 stars). 8 submissions from 8 submitters: Uncertain significance (5); Likely benign (1). 2 of the submissions do not count toward it. Last evaluated 2026-05-30.

Conditions:
MYLK-related disorder. Also called: MYLK-related condition.
Familial thoracic aortic aneurysm and aortic dissection (TAAD). Also called: Thoracic aortic aneurysms and dissections. Identifiers: Orphanet 91387, MedGen C4707243, MONDO:0019625.
Aortic aneurysm, familial thoracic 7 (AAT7). Also called: AORTIC DISSECTION, FAMILIAL, WITH OR WITHOUT AORTIC ANEURYSM. Identifiers: MedGen C3151077, MONDO:0013418, OMIM 613780.

Allele frequency attached by ClinVar (database versions not stated): gnomAD 0.00004 and 0.00003; gnomAD exomes 0.00004; TOPMed 0.00003; ExAC 0.00004; ESP Exome Variant Server 0.00008.

Submissions (8):

Women's Health and Genetics/Laboratory Corporation of America, LabCorp
Classification: Likely benign. Last evaluated: 2026-05-30. Review status: criteria provided, single submitter. Criteria: LabCorp Variant Classification Summary - May 2015. Collection method: clinical testing. Allele origin: germline.

Labcorp Genetics (formerly Invitae), Labcorp
Classification: Uncertain significance for Aortic aneurysm, familial thoracic 7. Last evaluated: 2025-09-03. Review status: criteria provided, single submitter. Criteria: Invitae Variant Classification Sherloc (09022015). Collection method: clinical testing. Allele origin: germline.
Comment: This sequence change replaces glycine, which is neutral and non-polar, with arginine, which is basic and polar, at codon 76 of the MYLK protein (p.Gly76Arg). This variant is present in population databases (rs368413008, gnomAD 0.006%). This missense change has been observed in individuals with thoracic aortic aneurysm and dissection (internal data). ClinVar contains an entry for this variant (Variation ID: 439944). Invitae Evidence Modeling of protein sequence and biophysical properties (such as structural, functional, and spatial information, amino acid conservation, physicochemical variation, residue mobility, and thermodynamic stability) indicates that this missense variant is not expected to disrupt MYLK protein function with a negative predictive value of 95%. In summary, the available evidence is currently insufficient to determine the role of this variant in disease. Therefore, it has been classified as a Variant of Uncertain Significance.

Ambry Genetics
Classification: Uncertain significance for Familial thoracic aortic aneurysm and aortic dissection. Last evaluated: 2025-06-18. Review status: criteria provided, single submitter. Criteria: Ambry Variant Classification Scheme 2023. Collection method: clinical testing. Allele origin: germline.
Comment: The p.G76R variant (also known as c.226G>A), located in coding exon 2 of the MYLK gene, results from a G to A substitution at nucleotide position 226. The glycine at codon 76 is replaced by arginine, an amino acid with dissimilar properties. This amino acid position is highly conserved in available vertebrate species. In addition, this alteration is predicted to be tolerated by in silico analysis. Based on the available evidence, the clinical significance of this variant remains unclear.

Victorian Clinical Genetics Services, Murdoch Childrens Research Institute
Classification: Uncertain significance for Aortic aneurysm, familial thoracic 7. Last evaluated: 2023-07-17. Review status: criteria provided, single submitter. Criteria: ACMG Guidelines, 2015. Collection method: clinical testing. Allele origin: germline. Inheritance: Autosomal dominant inheritance.
Comment: Based on the classification scheme VCGS_Germline_v1.3.4, this variant is classified as VUS-3C. Following criteria are met: 0102 - Loss of function is a known mechanism of disease in this gene and is associated with familial thoracic aortic aneurysm 7 (MIM#613780). (I) 0107 - This gene is associated with autosomal dominant disease. (I) 0112 - The condition associated with this gene has incomplete penetrance (PMID: 21055718, 29544503). (I) 0115 - Variants in this gene are known to have variable expressivity. In a single consanguineous family, variable expressivity was reported. Of note, homozygous affecteds presented with a more severe phenotype (PMID: 29544503). (I) 0200 - Variant is predicted to result in a missense amino acid change from glycine to arginine. (I) 0219 - This variant is non-coding in an alternative transcript. . This variant is non-coding in the NM_001321309.2, NM_053031.4 and NM_053032.4 transcripts. In addition, only the short isoform (amino acids 923 - 1914) is expressed in the aorta (UCSC; PMID: 27879251). (I) 0251 - This variant is heterozygous. (I) 0302 - Variant is present in gnomAD <0.001 for a dominant condition (v2: 10 heterozygotes, 0 homozygotes). (SP) 0501 - Missense variant consistently predicted to be damaging by multiple in silico tools or highly conserved with a major amino acid change. (SP) 0600 - Variant is located in the annotated immunoglobulin I_set domain (DECIPHER, PDB, NCBI) (I) 0705 - No comparable missense variants have previous evidence for pathogenicity. (I) 0809 - Previous evidence of pathogenicity for this variant is inconclusive. This variant has been classified as VUS by diagnostic laboratories, with one of the probands reported to have dilated aorta (ClinVar). (I) 0905 - No published segregation evidence has been identified for this variant. (I) 1007 - No published functional evidence has been identified for this variant. (I) 1208 - Inheritance information for this variant is not currently available in this individual. (I) Legend: (SP) - Supporting pathogenic, (I) - Information, (SB) - Supporting benign

CHEO Genetics Diagnostic Laboratory, Children's Hospital of Eastern Ontario
Classification: Uncertain significance for Familial thoracic aortic aneurysm and aortic dissection. Last evaluated: 2021-07-14. Review status: criteria provided, single submitter. Criteria: ACMG Guidelines, 2015. Collection method: clinical testing. Allele origin: germline.

ARUP Laboratories, Molecular Genetics and Genomics, ARUP Laboratories
Classification: Uncertain significance. Last evaluated: 2020-06-28. Review status: criteria provided, single submitter. Criteria: ARUP Molecular Germline Variant Investigation Process. Collection method: clinical testing. Allele origin: germline.
Comment: The p.Gly76Arg variant (rs368413008) has not been reported in the medical literature, gene specific variation databases, nor has it been previously identified by our laboratory. This variant is listed in the NHLBI GO Exome Sequencing Project with an overall population frequency of 0.01 percent (identified on 1 out of 13006 chromosomes) and is listed in the Exome Aggregation Consortium Browser with an overall population frequency of 0.004 percent (identified on 5 out of 120192 chromosomes). The glycine at position 76 is weakly conserved (considering 12 species, Alamut v.2.9.0) but computational analyses of the effects of the p.Gly76Arg variant on protein structure and function provide conflicting results (SIFT: tolerated, MutationTaster: disease causing, PolyPhen-2: possibly damaging). Altogether, there is not enough evidence to classify the p.Gly76Arg variant with certainty.

PreventionGenetics, part of Exact Sciences
Classification: Uncertain significance for MYLK-related condition. Last evaluated: 2024-08-13. Review status: no assertion criteria provided. Collection method: clinical testing. Allele origin: germline. Not counted in ClinVar's aggregate classification.
Comment: The MYLK c.226G>A variant is predicted to result in the amino acid substitution p.Gly76Arg. To our knowledge, this variant has not been reported in the literature. This variant is reported in 0.0071% of alleles in individuals of European (Non-Finnish) descent in gnomAD. At this time, the clinical significance of this variant is uncertain due to the absence of conclusive functional and genetic evidence.

Department of Pathology and Laboratory Medicine, Sinai Health System
Classification: Uncertain significance. Review status: no assertion criteria provided. Collection method: clinical testing. Allele origin: unknown. Affected: yes. Study: The Canadian Open Genetics Repository (COGR). Not counted in ClinVar's aggregate classification.
Comment: The MYLK p.Gly76Arg variant was not identified in the literature nor was it identified in LOVD 3.0. The variant was identified in dbSNP (ID: rs368413008) and ClinVar (classified as uncertain significance by Invitae, ARUP laboratories and Ambry Genetics). The variant was identified in control databases in 10 of 251016 chromosomes at a frequency of 0.00003984 (Genome Aggregation Database March 6, 2019, v2.1.1). The variant was observed in the following populations: Latino in 1 of 34574 chromosomes (freq: 0.000029), European (non-Finnish) in 8 of 113424 chromosomes (freq: 0.000071) and Other in 1 of 6118 chromosomes freq: 0.0001635) but was not observed in the South Asian, European (Finnish), or East Asian populations. The p.Gly76 residue is conserved in mammals but not in more distantly related organisms, and four out of five computational analyses (PolyPhen-2, SIFT, AlignGVGD, BLOSUM, MutationTaster) suggest that the variant may impact the protein; however, this information is not predictive enough to assume pathogenicity. The variant occurs outside of the splicing consensus sequence and three of four in silico or computational prediction software programs (SpliceSiteFinder, MaxEntScan, NNSPLICE, GeneSplicer) do not predict a greater than 10% chance of a difference in splicing. In summary, based on the above information the clinical significance of this variant cannot be determined with certainty at this time. This variant is classified as a variant of uncertain significance.

Literature cited by the submitters: PubMed 21055718 (cited by Victorian Clinical Genetics Services, Murdoch Childrens Research Institute); PubMed 27879251 (cited by Victorian Clinical Genetics Services, Murdoch Childrens Research Institute); PubMed 29544503 (cited by Victorian Clinical Genetics Services, Murdoch Childrens Research Institute).